The following is an entry in ClinVar:

ClinVar aggregate classification (germline): Uncertain significance (1 of 4 stars; one submission).

Conditions:
Epidermolysis bullosa simplex 5B, with muscular dystrophy (EBS5B). Also called: EPIDERMOLYSIS BULLOSA SIMPLEX AND LIMB-GIRDLE MUSCULAR DYSTROPHY; Epidermolysis bullosa simplex with muscular dystrophy. Identifiers: Orphanet 257, MedGen C2931072, MONDO:0009181, OMIM 226670.
Epidermolysis bullosa simplex, Ogna type (EBS5A). Also called: Pidermolysis bullosa simplex 5A, Ogna type; EPIDERMOLYSIS BULLOSA SIMPLEX 5A, OGNA TYPE. Identifiers: Orphanet 79401, MedGen C0432317, MONDO:0007555, OMIM 131950.
Epidermolysis bullosa simplex with nail dystrophy (EBS5D). Identifiers: MedGen C4225309, MONDO:0014661, OMIM 616487.
Autosomal recessive limb-girdle muscular dystrophy type 2Q (LGMDR17). Also called: MUSCULAR DYSTROPHY, LIMB-GIRDLE, AUTOSOMAL RECESSIVE 17. Identifiers: Orphanet 254361, MedGen C3150989, MONDO:0013390, OMIM 613723.
Epidermolysis bullosa simplex 5C, with pyloric atresia (EBS5C). Also called: PLEC1-Related Epidermolysis Bullosa with Pyloric Atresia; PLEC-Related Epidermolysis Bullosa with Pyloric Atresia; Epidermolysis bullosa simplex with pyloric atresia. Identifiers: Orphanet 158684, MedGen C2677349, MONDO:0012807, OMIM 612138.

Allele frequency attached by ClinVar (database versions not stated): gnomAD exomes below 0.00001 and 0.00001; TOPMed below 0.00001; 1000 Genomes Project 30x 0.00047.
gnomAD v4.1: 1 of 1,570,338 alleles (0.000064%); highest among the groups gnomAD compares: East Asian, 0.0023%; no homozygotes.

Submission:

Labcorp Genetics (formerly Invitae), Labcorp
Classification: Uncertain significance for Autosomal recessive limb-girdle muscular dystrophy type 2Q; Epidermolysis bullosa simplex, Ogna type; Epidermolysis bullosa simplex with nail dystrophy; Epidermolysis bullosa simplex 5C, with pyloric atresia; Epidermolysis bullosa simplex 5B, with muscular dystrophy. Last evaluated: 2021-01-20. Review status: criteria provided, single submitter. Criteria: Invitae Variant Classification Sherloc (09022015). Collection method: clinical testing. Allele origin: germline.
Comment: In summary, the available evidence is currently insufficient to determine the role of this variant in disease. Therefore, it has been classified as a Variant of Uncertain Significance. Algorithms developed to predict the effect of missense changes on protein structure and function (SIFT, PolyPhen-2, Align-GVGD) all suggest that this variant is likely to be disruptive, but these predictions have not been confirmed by published functional studies and their clinical significance is uncertain. This variant has not been reported in the literature in individuals with PLEC-related conditions. This variant is not present in population databases (ExAC no frequency). This sequence change replaces alanine with threonine at codon 3832 of the PLEC protein (p.Ala3832Thr). The alanine residue is highly conserved and there is a small physicochemical difference between alanine and threonine.

NM_201384.3(PLEC):c.11413G>A (p.Ala3805Thr)

Gene: PLEC (plectin; minus strand). Cytogenetic location: 8q24.3.
Variant type: single nucleotide variant.
Coding change: c.11413G>A on transcript NM_201384.3 (MANE Select); coding-DNA position 11413, G replaced by A.
Protein change: p.Ala3805Thr; replaces alanine 3805 with threonine.
Molecular consequence: missense variant.
Genome position (GRCh38, 1-based): chr8:143,918,408, C>T on the plus strand (G>A on the coding strand, the complement: PLEC is on the minus strand). VCF-style: chr8-143918408-C-T. GRCh37 (hg19) VCF-style: chr8-144992576-C-T.
Other names: c.11494G>A, p.Ala3832Thr (NM_000445.5); c.11371G>A, p.Ala3791Thr (NM_201378.4); c.11347G>A, p.Ala3783Thr (NM_201379.3); c.11824G>A, p.Ala3942Thr (NM_201380.4); c.11317G>A, p.Ala3773Thr (NM_201381.3); c.11413G>A, p.Ala3805Thr (NM_201382.4); c.11425G>A, p.Ala3809Thr (NM_201383.3); short protein forms A3783T, A3773T, A3791T, A3809T, A3942T, A3805T, A3832T.
Identifiers: ClinVar variation 1462546 (VCV001462546.8), dbSNP rs1443028323, ClinGen allele CA372490869.